The following is an entry in ClinVar:

NM_003108.4(SOX11):c.1107C>A (p.Phe369Leu)

Gene: SOX11 (SRY-box transcription factor 11; plus strand). Cytogenetic location: 2p25.2.
Variant type: single nucleotide variant.
Coding change: c.1107C>A on transcript NM_003108.4 (MANE Select); coding-DNA position 1107, C replaced by A.
Protein change: p.Phe369Leu; replaces phenylalanine 369 with leucine.
Molecular consequence: missense variant.
Genome position (GRCh38, 1-based): chr2:5,693,828, C>A. VCF-style: chr2-5693828-C-A. GRCh37 (hg19) VCF-style: chr2-5833960-C-A.
Other names: short protein forms F369L.
Identifiers: ClinVar variation 3586756 (VCV003586756.2).
Genomic context (GRCh38, chr2:5,693,828, plus strand): 5'-CAGCAGCGGCAGCAGCGGCGAGGACGCCGACGACCTGATGTTCGACCTGAGCTTGAATTT[C>A]TCTCAAAGCGCGCACAGCGCCAGCGAGCAGCAGCTGGGGGGCGGCGCGGCGGCCGGGAAC-3'
Protein context (NP_003099.1, residues 359-379): DDLMFDLSLN[Phe369Leu]SQSAHSASEQ

ClinVar aggregate classification (germline): Uncertain significance. Review status: criteria provided, multiple submitters, no conflicts (2 of 4 stars). 2 submissions from 2 submitters: Uncertain significance (2). Last evaluated 2025-10-26.

Conditions:
Intellectual developmental disorder with microcephaly and with or without ocular malformations or hypogonadotropic hypogonadism. Also called: Coffin-Siris Syndrome 9; Intellectual disability, autosomal dominant 27. Identifiers: Orphanet 1465, MedGen C4014528, MONDO:0014376, OMIM 615866.

Submissions (2):

Labcorp Genetics (formerly Invitae), Labcorp
Classification: Uncertain significance. Last evaluated: 2025-10-26. Review status: criteria provided, single submitter. Criteria: Invitae Variant Classification Sherloc (09022015). Collection method: clinical testing. Allele origin: germline.
Comment: This sequence change replaces phenylalanine, which is neutral and non-polar, with leucine, which is neutral and non-polar, at codon 369 of the SOX11 protein (p.Phe369Leu). This variant is not present in population databases (gnomAD no frequency). This variant has not been reported in the literature in individuals affected with SOX11-related conditions. ClinVar contains an entry for this variant (Variation ID: 3586756). Invitae Evidence Modeling of protein sequence and biophysical properties (such as structural, functional, and spatial information, amino acid conservation, physicochemical variation, residue mobility, and thermodynamic stability) indicates that this missense variant is not expected to disrupt SOX11 protein function with a negative predictive value of 95%. In summary, the available evidence is currently insufficient to determine the role of this variant in disease. Therefore, it has been classified as a Variant of Uncertain Significance.

Fulgent Genetics
Classification: Uncertain significance for Intellectual developmental disorder with microcephaly and with or without ocular malformations or hypogonadotropic hypogonadism. Last evaluated: 2024-06-04. Review status: criteria provided, single submitter. Criteria: ACMG Guidelines, 2015. Collection method: clinical testing. Allele origin: germline.